The following is an entry in ClinVar:

ClinVar aggregate classification (germline): Uncertain significance (1 of 4 stars; one submission).

Conditions:
Ichthyosis linearis circumflexa. Identifiers: MedGen C0265962, MONDO:0043106, HP:0025810.

Submission:

Labcorp Genetics (formerly Invitae), Labcorp
Classification: Uncertain significance for Ichthyosis linearis circumflexa. Last evaluated: 2023-03-08. Review status: criteria provided, single submitter. Criteria: Invitae Variant Classification Sherloc (09022015). Collection method: clinical testing. Allele origin: germline.
Comment: This sequence change falls in intron 21 of the SPINK5 gene. It does not directly change the encoded amino acid sequence of the SPINK5 protein. It affects a nucleotide within the consensus splice site. This variant is not present in population databases (gnomAD no frequency). This variant has not been reported in the literature in individuals affected with SPINK5-related conditions. Variants that disrupt the consensus splice site are a relatively common cause of aberrant splicing (PMID: 17576681, 9536098). Algorithms developed to predict the effect of sequence changes on RNA splicing suggest that this variant may create or strengthen a splice site. In summary, the available evidence is currently insufficient to determine the role of this variant in disease. Therefore, it has been classified as a Variant of Uncertain Significance.

Literature cited by the submitters: PubMed 17576681; PubMed 9536098.

NM_006846.4(SPINK5):c.2016-3C>G

Gene: SPINK5 (serine peptidase inhibitor Kazal type 5; plus strand). Cytogenetic location: 5q32.
Variant type: single nucleotide variant.
Coding change: c.2016-3C>G on transcript NM_006846.4 (MANE Select); 3 bases into the intron before coding-DNA position 2016, C replaced by G.
Molecular consequence: intron variant.
Genome position (GRCh38, 1-based): chr5:148,116,367, C>G. VCF-style: chr5-148116367-C-G. GRCh37 (hg19) VCF-style: chr5-147495930-C-G.
Other names: c.2016-3C>G (NM_001127698.2, NM_001127699.2).
Identifiers: ClinVar variation 2843795 (VCV002843795.3), dbSNP rs2113177395, ClinGen allele CA2739275134.